The following is an entry in ClinVar:

ClinVar aggregate classification (germline): Uncertain significance (1 of 4 stars; one submission).

Submission:

Dasa
Classification: Uncertain significance. Last evaluated: 2025-01-28. Review status: criteria provided, single submitter. Criteria: DASA Assertion Criteria. Collection method: clinical testing. Allele origin: germline.
Comment: NM_000138.5(FBN1):c.1745G>T (p.Cys582Phe) is a missense variant that results in the substitution of cysteine with phenylalanine. The affected residue or protein region has prior evidence supporting clinical relevance. This variant is absent from population databases. Computational prediction algorithms are consistent with a deleterious effect. The currently available literature and clinical evidence are not sufficient to establish a definitive association between this variant and the reported condition. Therefore, this variant is classified as a variant of uncertain significance.

NM_000138.5(FBN1):c.1745G>T (p.Cys582Phe)

Gene: FBN1 (fibrillin 1; minus strand). Cytogenetic location: 15q21.1.
Variant type: single nucleotide variant.
Coding change: c.1745G>T on transcript NM_000138.5 (MANE Select); coding-DNA position 1745, G replaced by T.
Protein change: p.Cys582Phe; replaces cysteine 582 with phenylalanine.
Molecular consequence: missense variant.
Genome position (GRCh38, 1-based): chr15:48,508,674, C>A on the plus strand (G>T on the coding strand, the complement: FBN1 is on the minus strand). VCF-style: chr15-48508674-C-A. GRCh37 (hg19) VCF-style: chr15-48800871-C-A.
Other names: c.1745G>T, p.Cys582Phe (NM_001406716.1); short protein forms C582F.
Identifiers: ClinVar variation 4883054 (VCV004883054.2).
Genomic context (GRCh38, chr15:48,508,674, plus strand): 5'-AATCCAGGTTTGCAAATACATTTAAAACTGCCATCTTCATTGATACACATTCCATTAAGG[C>A]ACATGTTCCTTATGCTGCATTCATCCATATCTGAAAATACAAAACATACATTTTCTTATG-3'
Protein context (NP_000129.3, residues 572-592): DMDECSIRNM[Cys582Phe]LNGMCINEDG